The following is an entry in ClinVar:

NM_001077350.3(NPRL3):c.1045G>T (p.Ala349Ser)

Genes: HBA-LCR (alpha-globin locus control region; plus strand), NPRL3 (NPR3 like, GATOR1 complex subunit; minus strand). Cytogenetic location: 16p13.3.
Variant type: single nucleotide variant.
Coding change: c.1045G>T on transcript NM_001077350.3 (MANE Select); coding-DNA position 1045, G replaced by T.
Protein change: p.Ala349Ser; replaces alanine 349 with serine.
Molecular consequence: missense variant.
Genome position (GRCh38, 1-based): chr16:92,712, C>A on the plus strand (G>T on the coding strand, the complement: NPRL3 is on the minus strand). VCF-style: chr16-92712-C-A. GRCh37 (hg19) VCF-style: chr16-142710-C-A.
Other names: c.508G>T, p.Ala170Ser (NM_001039476.3); c.811G>T, p.Ala271Ser (NM_001243247.2); c.970G>T, p.Ala324Ser (NM_001243248.2, NM_001243249.2); short protein forms A324S, A271S, A170S, A349S.
Identifiers: ClinVar variation 1437861 (VCV001437861.6), dbSNP rs1388346755, ClinGen allele CA394053201.
Genomic context (GRCh38, chr16:92,712, plus strand): 5'-AGAACTTGGCAAGAACGGACGGCAGGTCATGAGATGGGAACTGGTGGGAGAACTGCTCGG[C>A]CAGCGGGGAGTACCTGCAGGCAGGTGAGCATGCCAGTGAGTGCAGCAGACCCCCCCACCG-3'
Protein context (NP_001070818.1, residues 339-359): NASVCLYSPL[Ala349Ser]EQFSHQFPSH

ClinVar aggregate classification (germline): Uncertain significance (1 of 4 stars; one submission).

Conditions:
Epilepsy, familial focal, with variable foci 3 (FFEVF3). Identifiers: MedGen C4310708, MONDO:0014925, OMIM 617118.

Submission:

Labcorp Genetics (formerly Invitae), Labcorp
Classification: Uncertain significance for Epilepsy, familial focal, with variable foci 3. Last evaluated: 2021-07-13. Review status: criteria provided, single submitter. Criteria: Invitae Variant Classification Sherloc (09022015). Collection method: clinical testing. Allele origin: germline.
Comment: This sequence change replaces alanine with serine at codon 349 of the NPRL3 protein (p.Ala349Ser). The alanine residue is moderately conserved and there is a moderate physicochemical difference between alanine and serine. This variant is not present in population databases (ExAC no frequency). This variant has not been reported in the literature in individuals affected with NPRL3-related conditions. Experimental studies and prediction algorithms are not available or were not evaluated, and the functional significance of this variant is currently unknown. In summary, the available evidence is currently insufficient to determine the role of this variant in disease. Therefore, it has been classified as a Variant of Uncertain Significance.